The following is an entry in ClinVar:

ClinVar aggregate classification (germline): other (0 of 4 stars; one submission).

Conditions:
Familial colorectal cancer. Identifiers: MedGen CN280943, MONDO:0023113. Disease mechanism: loss of function.

Allele frequency attached by ClinVar (database versions not stated): gnomAD 0.00001; TOPMed 0.00001.
gnomAD v4.1: 1 of 152,222 alleles (0.00066%); highest among the groups gnomAD compares: African/African-American, 0.0024%; no homozygotes.

Submission:

Systems Biology Platform Zhejiang California International NanoSystems Institute
Classification: other for Familial colorectal cancer. Review status: no assertion criteria provided. Collection method: not provided. Allele origin: unknown.
ClinVar note: Converted during submission from cancer to other.

NM_000038.6(APC):c.646-3762T>C

Gene: APC (APC regulator of WNT signaling pathway; plus strand). Cytogenetic location: 5q22.2.
Variant type: single nucleotide variant.
Coding change: c.646-3762T>C on transcript NM_000038.6 (MANE Select); 3762 bases into the intron before coding-DNA position 646, T replaced by C.
Molecular consequence: intron variant.
Genome position (GRCh38, 1-based): chr5:112,788,684, T>C. VCF-style: chr5-112788684-T-C. GRCh37 (hg19) VCF-style: chr5-112124381-T-C.
Other names: c.676-3762T>C (NM_001354897.2, NM_001354902.2); c.675+7781T>C (NM_001127511.3); c.646-3762T>C (NM_001127510.3, NM_001354896.2, NM_001354903.2 and 1 more transcripts); c.571-3762T>C (NM_001354898.2, NM_001354904.2); c.-390-3762T>C (NM_001354906.2); c.645+7781T>C (NM_001354899.2); c.469-3762T>C (NM_001354900.2, NM_001354901.2, NM_001354905.2).
Identifiers: ClinVar variation 82981 (VCV000082981.2), dbSNP rs79433398, ClinGen allele CA011856.